The following is an entry in ClinVar:

ClinVar aggregate classification (germline): Conflicting classifications of pathogenicity. Review status: criteria provided, conflicting classifications (1 of 4 stars). 4 submissions from 4 submitters: Uncertain significance (1); Benign (1); Likely benign (2). Last evaluated 2025-12-22.

Conditions:
Hereditary cancer-predisposing syndrome. Also called: Tumor predisposition; Hereditary neoplastic syndrome; Hereditary Cancer Syndrome; Neoplastic Syndromes, Hereditary. Identifiers: Orphanet 140162, MedGen C0027672, MeSH D009386, MONDO:0015356.
EGFR-related lung cancer (EGFR). Identifiers: MedGen CN130014.
Lung cancer. Also called: Lung cancer, somatic; Malignant tumor of lung. Identifiers: MedGen C0242379, MONDO:0008903, OMIM 211980.

Allele frequency attached by ClinVar (database versions not stated): gnomAD 0.00001; gnomAD exomes 0.00001; ExAC 0.00002; TOPMed 0.00002.
gnomAD v4.1: 12 of 1,614,104 alleles (0.00074%); highest among the groups gnomAD compares: Admixed American, 0.0067%; no homozygotes.

Submissions (5):

Labcorp Genetics (formerly Invitae), Labcorp
Classification: Likely benign for EGFR-related lung cancer. Last evaluated: 2025-12-22. Review status: criteria provided, single submitter. Criteria: Invitae Variant Classification Sherloc (09022015). Collection method: clinical testing. Allele origin: germline.

Quest Diagnostics Nichols Institute San Juan Capistrano
Classification: Uncertain significance. Last evaluated: 2025-08-29. Review status: criteria provided, single submitter. Criteria: Quest Diagnostics criteria. Collection method: clinical testing. Allele origin: unknown.
Comment: The EGFR c.2172C>T (p.Gly724=) synonymous variant has been reported in the published literature in an individual who was high risk for hereditary breast and ovarian cancer syndrome (PMID: 38874686 (2024)). The frequency of this variant in the general population (Genome Aggregation Database) is uninformative in the assessment of its pathogenicity. Analysis of this variant using software algorithms for the prediction of the effect of nucleotide changes on EGFR mRNA splicing yielded inconclusive findings (Alamut Visual). Based on the available information, we are unable to determine the clinical significance of this variant.

Ambry Genetics
Classification: Likely benign for Hereditary cancer-predisposing syndrome. Last evaluated: 2024-12-25. Review status: criteria provided, single submitter. Criteria: Ambry Variant Classification Scheme 2023. Collection method: clinical testing. Allele origin: germline.

Myriad Genetics, Inc.
Classification: Benign for Lung cancer. Last evaluated: 2024-10-16. Review status: criteria provided, single submitter. Criteria: Myriad Autosomal Dominant, Autosomal Recessive and X-Linked Classification Criteria (2023). Collection method: clinical testing. Allele origin: unknown.
Comment: This variant is considered benign. This variant is a silent/synonymous amino acid change and it is not expected to impact splicing.

Dr. Peter K. Rogan Lab, Western University
No classification provided (evidence only). Condition: Sarcoma. Review status: no classification provided. Collection method: in vitro. Allele origin: not applicable. Functional consequence: retained intron. Not counted in ClinVar's aggregate classification.

Literature cited by the submitters: PubMed 38874686 (cited by Quest Diagnostics Nichols Institute San Juan Capistrano).

NM_005228.5(EGFR):c.2172C>T (p.Gly724=)

Gene: EGFR (epidermal growth factor receptor; plus strand). Cytogenetic location: 7p11.2.
Variant type: single nucleotide variant.
Coding change: c.2172C>T on transcript NM_005228.5 (MANE Select); coding-DNA position 2172, C replaced by T.
Protein change: p.Gly724=; no amino-acid change (glycine 724 retained).
Molecular consequence: synonymous variant.
Genome position (GRCh38, 1-based): chr7:55,174,031, C>T. VCF-style: chr7-55174031-C-T. GRCh37 (hg19) VCF-style: chr7-55241724-C-T.
Other names: c.2037C>T, p.Gly679= (NM_001346897.2, NM_001346899.2); c.2172C>T, p.Gly724= (NM_001346898.2); c.2013C>T, p.Gly671= (NM_001346900.2); c.1371C>T, p.Gly457= (NM_001346941.2).
Identifiers: ClinVar variation 937136 (VCV000937136.14), dbSNP rs754578411, ClinGen allele CA4265986.
Genomic context (GRCh38, chr7:55,174,031, plus strand): 5'-GAGGATCTTGAAGGAAACTGAATTCAAAAAGATCAAAGTGCTGGGCTCCGGTGCGTTCGG[C>T]ACGGTGTATAAGGTAAGGTCCCTGGCACAGGCCTCTGGGCTGGGCCGCAGGGCCTCTCAT-3'
Protein context (NP_005219.2, residues 714-734): KIKVLGSGAF[Gly724=]TVYKGLWIPE